The following is an entry in ClinVar:

ClinVar aggregate classification (germline): Benign/Likely benign. Review status: criteria provided, multiple submitters, no conflicts (2 of 4 stars). 11 submissions from 10 submitters: Benign (9); Likely benign (2). Last evaluated 2026-09-01.

Conditions:
RYR1-related disorder. Also called: RYR1-related disorders; RYR1-related condition. Identifiers: MedGen CN239331.
Malignant hyperthermia, susceptibility to, 1 (MHS1). Also called: Malignant hyperthermia suceptibility 1; Anesthesia related hyperthermia; Malignant hyperpyrexia; Fulminating hyperpyrexia; Pharmacogenic myopathy; RYR1-Related Malignant Hyperthermia Susceptibility. Identifiers: Orphanet 423, MedGen C2930980, MONDO:0007783, OMIM 145600.
Congenital multicore myopathy with external ophthalmoplegia (CMYO1B). Also called: Congenital myopathy 1B, autosomal recessive; Minicore myopathy; MULTIMINICORE DISEASE WITH EXTERNAL OPHTHALMOPLEGIA; Minicore myopathy with external ophthalmoplegia; MULTICORE MYOPATHY. Identifiers: Orphanet 598, Orphanet 98905, MedGen C1850674, MONDO:0009712, OMIM 255320, HP:0003789.

Allele frequency attached by ClinVar (database versions not stated): gnomAD exomes 0.00107; ExAC 0.00213; ESP Exome Variant Server 0.00367; gnomAD 0.00399 and 0.00422; TOPMed 0.00418; 1000 Genomes Project 0.00459; 1000 Genomes Project 30x 0.00484.
gnomAD v4.1: 1,186 of 1,588,678 alleles (0.075%); highest among the groups gnomAD compares: African/African-American, 1.4%; 10 homozygotes.

Submissions (11):

CeGaT Center for Human Genetics Tuebingen
Classification: Likely benign. Last evaluated: 2026-09-01. Review status: criteria provided, single submitter. Criteria: CeGaT Center For Human Genetics Tuebingen Variant Classification Criteria Version 2. Collection method: clinical testing. Allele origin: germline. Affected: yes. Observed: 5 variant alleles.
Comment: RYR1: BP4, BP7, BS1

Labcorp Genetics (formerly Invitae), Labcorp
Classification: Benign for RYR1-related disorder. Last evaluated: 2026-01-31. Review status: criteria provided, single submitter. Criteria: Invitae Variant Classification Sherloc (09022015). Collection method: clinical testing. Allele origin: germline.

Blueprint Genetics
Classification: Likely benign. Last evaluated: 2024-11-21. Review status: criteria provided, single submitter. Criteria: ACMG Guidelines, 2015. Collection method: clinical testing. Allele origin: germline.

All of Us Research Program, National Institutes of Health
Classification: Benign for Malignant hyperthermia, susceptibility to, 1. Last evaluated: 2024-02-05. Review status: criteria provided, single submitter. Criteria: ACMG Guidelines, 2015. Collection method: clinical testing. Allele origin: germline. Inheritance: Autosomal dominant inheritance. Observed: 223 variant alleles, 221 heterozygotes, 2 homozygotes.
Comment: This study involves interpretation of variants in research participants for the purpose of population health screening. Participant phenotype was not available at the time of variant classification. Additional details can be found in publication PMID: 35346344, PMCID: PMC8962531

Color Diagnostics, LLC DBA Color Health
Classification: Benign for Malignant hyperthermia, susceptibility to, 1. Last evaluated: 2022-05-04. Review status: criteria provided, single submitter. Criteria: ACMG Guidelines, 2015. Collection method: clinical testing. Allele origin: germline.

GeneDx
Classification: Benign. Last evaluated: 2018-05-23. Review status: criteria provided, single submitter. Criteria: GeneDx Variant Classification Process June 2021. Collection method: clinical testing. Allele origin: germline. Affected: yes.

Illumina Laboratory Services, Illumina
Classification: Benign for Congenital multicore myopathy with external ophthalmoplegia. Last evaluated: 2018-01-13. Review status: criteria provided, single submitter. Criteria: ICSL Variant Classification Criteria 13 December 2019. Collection method: clinical testing. Allele origin: germline.
Comment: This variant was observed in the ICSL laboratory as part of a predisposition screen in an ostensibly healthy population. It had not been previously curated by ICSL or reported in the Human Gene Mutation Database (HGMD: prior to June 1st, 2018), and was therefore a candidate for classification through an automated scoring system. Utilizing variant allele frequency, disease prevalence and penetrance estimates, and inheritance mode, an automated score was calculated to assess if this variant is too frequent to cause the disease. Based on the score and internal cut-off values, a variant classified as benign is not then subjected to further curation. The score for this variant resulted in a classification of benign for this disease.

Illumina Laboratory Services, Illumina
Classification: Benign for Malignant hyperthermia, susceptibility to, 1. Last evaluated: 2018-01-13. Review status: criteria provided, single submitter. Criteria: ICSL Variant Classification Criteria 13 December 2019. Collection method: clinical testing. Allele origin: germline.
Comment: the same text as in the submission from Illumina Laboratory Services, Illumina above.

PreventionGenetics, part of Exact Sciences
Classification: Benign. Last evaluated: 2017-08-10. Review status: criteria provided, single submitter. Criteria: ACMG Guidelines, 2015. Collection method: clinical testing. Allele origin: germline.

Athena Diagnostics
Classification: Benign. Last evaluated: 2017-01-27. Review status: criteria provided, single submitter. Criteria: Athena Diagnostics Criteria. Collection method: clinical testing. Allele origin: germline.

Eurofins Ntd Llc (ga)
Classification: Benign. Last evaluated: 2016-03-01. Review status: criteria provided, single submitter. Criteria: EGL Classification Definitions 2015. Collection method: clinical testing. Allele origin: germline. Observed: 1 variant allele, 1 heterozygote.

NM_000540.3(RYR1):c.3972G>A (p.Ala1324=)

Gene: RYR1 (ryanodine receptor 1; plus strand). Cytogenetic location: 19q13.2.
Variant type: single nucleotide variant.
Coding change: c.3972G>A on transcript NM_000540.3 (MANE Select); coding-DNA position 3972, G replaced by A.
Protein change: p.Ala1324=; no amino-acid change (alanine 1324 retained).
Molecular consequence: synonymous variant.
Genome position (GRCh38, 1-based): chr19:38,473,583, G>A. VCF-style: chr19-38473583-G-A. GRCh37 (hg19) VCF-style: chr19-38964223-G-A.
Other names: c.3972G>A, p.Ala1324= (NM_001042723.2).
Identifiers: ClinVar variation 256500 (VCV000256500.48), dbSNP rs200451188, ClinGen allele CA065430.